The following is an entry in ClinVar:

ClinVar aggregate classification (germline): Uncertain significance. Review status: criteria provided, multiple submitters, no conflicts (2 of 4 stars). 2 submissions from 2 submitters: Uncertain significance (2). Last evaluated 2025-09-23.

Conditions:
CHARGE syndrome (CHARGE). Also called: Hittner Hirsch Kreh syndrome; CHARGE ASSOCIATION--COLOBOMA, HEART ANOMALY, CHOANAL ATRESIA, RETARDATION, GENITAL AND EAR ANOMALIES; Coloboma, heart anomaly, choanal atresia, retardation, genital and ear anomalies; CHARGE association; Hall-Hittner syndrome. Identifiers: Orphanet 138, MedGen C0265354, MONDO:0008965.
Inborn genetic diseases. Identifiers: MedGen C0950123, MeSH D030342.

Allele frequency attached by ClinVar (database versions not stated): gnomAD 0.00001.

Submissions (2):

Labcorp Genetics (formerly Invitae), Labcorp
Classification: Uncertain significance for CHARGE syndrome. Last evaluated: 2025-09-23. Review status: criteria provided, single submitter. Criteria: Invitae Variant Classification Sherloc (09022015). Collection method: clinical testing. Allele origin: germline.
Comment: This sequence change replaces serine, which is neutral and polar, with asparagine, which is neutral and polar, at codon 751 of the CHD7 protein (p.Ser751Asn). This variant is not present in population databases (gnomAD no frequency). This variant has not been reported in the literature in individuals affected with CHD7-related conditions. ClinVar contains an entry for this variant (Variation ID: 2173921). Invitae Evidence Modeling of protein sequence and biophysical properties (such as structural, functional, and spatial information, amino acid conservation, physicochemical variation, residue mobility, and thermodynamic stability) indicates that this missense variant is not expected to disrupt CHD7 protein function with a negative predictive value of 95%. In summary, the available evidence is currently insufficient to determine the role of this variant in disease. Therefore, it has been classified as a Variant of Uncertain Significance.

Ambry Genetics
Classification: Uncertain significance for Inborn genetic diseases. Last evaluated: 2025-02-14. Review status: criteria provided, single submitter. Criteria: Ambry Variant Classification Scheme 2023. Collection method: clinical testing. Allele origin: germline.

NM_017780.4(CHD7):c.2252G>A (p.Ser751Asn)

Gene: CHD7 (chromodomain helicase DNA binding protein 7; plus strand). Cytogenetic location: 8q12.2.
Variant type: single nucleotide variant.
Coding change: c.2252G>A on transcript NM_017780.4 (MANE Select); coding-DNA position 2252, G replaced by A.
Protein change: p.Ser751Asn; replaces serine 751 with asparagine.
Molecular consequence: missense variant. On other transcripts: intron variant (1).
Genome position (GRCh38, 1-based): chr8:60,800,401, G>A. VCF-style: chr8-60800401-G-A. GRCh37 (hg19) VCF-style: chr8-61712960-G-A.
Other names: c.2252G>A (NM_017780.3); c.1716+19351G>A (NM_001316690.1); short protein forms S751N.
Identifiers: ClinVar variation 2173921 (VCV002173921.5), dbSNP rs1812245569, ClinGen allele CA371298898.
Genomic context (GRCh38, chr8:60,800,401, plus strand): 5'-TTTTTAATCATTAATTTCAAGGCCACTGTCTTGGGTTTTTGTTTTAGAAGAGACGGTCCA[G>A]CAGACAGGTGAAGAGAAAGCGCTACACTGAAGACCTGGAGTTCAAGATTTCTGATGAGGA-3'
Protein context (NP_060250.2, residues 741-761): EDPGVQKRRS[Ser751Asn]RQVKRKRYTE